The following is an entry in ClinVar:

ClinVar aggregate classification (germline): Likely pathogenic (0 of 4 stars; one submission).

Conditions:
PKHD1-related disorder. Also called: PKHD1-related condition.

Allele frequency attached by ClinVar (database versions not stated): gnomAD exomes below 0.00001.
gnomAD v4.1: 3 of 1,613,182 alleles (0.00019%); highest among the groups gnomAD compares: South Asian, 0.0033%; no homozygotes.

Submission:

PreventionGenetics, part of Exact Sciences
Classification: Likely pathogenic for PKHD1-related condition. Last evaluated: 2024-02-20. Review status: no assertion criteria provided. Collection method: clinical testing. Allele origin: germline.
Comment: The PKHD1 c.6659T>A variant is predicted to result in the amino acid substitution p.Leu2220His. To our knowledge, this variant has not been reported in the literature or in a large population database, indicating this variant is rare. Of note, this variant has been found in the compound heterozygous state with a pathogenic PKHD1 variant in two siblings tested for polycystic kidney disease at PreventionGenetics. This variant is interpreted as likely pathogenic.

NM_138694.4(PKHD1):c.6659T>A (p.Leu2220His)

Gene: PKHD1 (PKHD1 ciliary IPT domain containing fibrocystin/polyductin; minus strand). Cytogenetic location: 6p12.2.
Variant type: single nucleotide variant.
Coding change: c.6659T>A on transcript NM_138694.4 (MANE Select); coding-DNA position 6659, T replaced by A.
Protein change: p.Leu2220His; replaces leucine 2220 with histidine.
Molecular consequence: missense variant.
Genome position (GRCh38, 1-based): chr6:51,909,306, A>T on the plus strand (T>A on the coding strand, the complement: PKHD1 is on the minus strand). VCF-style: chr6-51909306-A-T. GRCh37 (hg19) VCF-style: chr6-51774104-A-T.
Other names: c.6659T>A, p.Leu2220His (NM_170724.3); short protein forms L2220H.
Identifiers: ClinVar variation 3031284 (VCV003031284.2), dbSNP rs1782607759, ClinGen allele CA364434138.